The following is an entry in ClinVar:

NM_022051.2(EGLN1):c.-2448A>C

Gene: EGLN1 (egl-9 family hypoxia inducible factor 1; minus strand). Cytogenetic location: 1q42.2.
Variant type: single nucleotide variant.
Coding change: c.-2448A>C on transcript NM_022051.2; 2448 bases upstream of the start codon, A replaced by C.
Genome position (GRCh38, 1-based): chr1:231,424,336, T>G on the plus strand (A>C on the coding strand, the complement: EGLN1 is on the minus strand). VCF-style: chr1-231424336-T-G. GRCh37 (hg19) VCF-style: chr1-231560082-T-G.
Identifiers: ClinVar variation 296236 (VCV000296236.8), dbSNP rs114449367, ClinGen allele CA10609358.

ClinVar aggregate classification (germline): Benign. Review status: criteria provided, multiple submitters, no conflicts (2 of 4 stars). 2 submissions from 2 submitters: Benign (2). Last evaluated 2017-04-27.

Conditions:
Erythrocytosis, familial, 3 (ECYT3). Identifiers: Orphanet 247511, MedGen C1853286, MONDO:0012353, OMIM 609820.

Allele frequency attached by ClinVar (database versions not stated): 1000 Genomes Project 0.02476; 1000 Genomes Project 30x 0.02545; TOPMed 0.02325; gnomAD 0.02097 and 0.02248.

Submissions (2):

Illumina Laboratory Services, Illumina
Classification: Benign for Erythrocytosis, familial, 3. Last evaluated: 2017-04-27. Review status: criteria provided, single submitter. Criteria: ICSL Variant Classification Criteria 13 December 2019. Collection method: clinical testing. Allele origin: germline.
Comment: This variant was observed as part of a predisposition screen in an ostensibly healthy population. A literature search was performed for the gene, cDNA change, and amino acid change (where applicable). No publications were found based on this search. Allele frequency data from public databases was too high to be consistent with this variant causing disease. Therefore, this variant is classified as benign.

Breakthrough Genomics
Classification: Benign. Review status: criteria provided, single submitter. Criteria: ACMG Guidelines, 2015. Collection method: not provided. Allele origin: germline. Inheritance: Autosomal dominant inheritance. Affected: yes.